The following is an entry in ClinVar:

ClinVar aggregate classification (germline): Uncertain significance. Review status: criteria provided, multiple submitters, no conflicts (2 of 4 stars). 2 submissions from 2 submitters: Uncertain significance (2). Last evaluated 2026-04-28.

Conditions:
NOTCH2-related disorder. Also called: NOTCH2-related condition.
Hajdu-Cheney syndrome (HJCYS). Also called: ACROOSTEOLYSIS WITH OSTEOPOROSIS AND CHANGES IN SKULL AND MANDIBLE; SERPENTINE FIBULA-POLYCYSTIC KIDNEY SYNDROME; Acroosteolysis dominant type. Identifiers: Orphanet 955, MedGen C0917715, MONDO:0007057, OMIM 102500.

Allele frequency attached by ClinVar (database versions not stated): TOPMed below 0.00001; 1000 Genomes Project 30x 0.00016; 1000 Genomes Project 0.00020.
gnomAD v4.1: 18 of 1,614,030 alleles (0.0011%); highest among the groups gnomAD compares: Middle Eastern, 0.066%; no homozygotes.

Submissions (2):

PreventionGenetics, part of Exact Sciences
Classification: Uncertain significance for NOTCH2-related condition. Last evaluated: 2026-04-28. Review status: criteria provided, single submitter. Criteria: ACMG Guidelines, 2015. Collection method: clinical testing. Allele origin: germline.
Comment: The NOTCH2 c.2098G>A variant is predicted to result in the amino acid substitution p.Gly700Ser. To our knowledge, this variant has not been reported in the literature. This variant is reported in 0.0065% of alleles in individuals of South Asian descent in gnomAD. At this time, the clinical significance of this variant is uncertain due to the absence of conclusive functional and genetic evidence.

Labcorp Genetics (formerly Invitae), Labcorp
Classification: Uncertain significance for Hajdu-Cheney syndrome. Last evaluated: 2025-08-24. Review status: criteria provided, single submitter. Criteria: Invitae Variant Classification Sherloc (09022015). Collection method: clinical testing. Allele origin: germline.
Comment: This sequence change replaces glycine, which is neutral and non-polar, with serine, which is neutral and polar, at codon 700 of the NOTCH2 protein (p.Gly700Ser). This variant is present in population databases (rs143227439, gnomAD 0.01%). This variant has not been reported in the literature in individuals affected with NOTCH2-related conditions. ClinVar contains an entry for this variant (Variation ID: 2631709). Invitae Evidence Modeling of protein sequence and biophysical properties (such as structural, functional, and spatial information, amino acid conservation, physicochemical variation, residue mobility, and thermodynamic stability) indicates that this missense variant is not expected to disrupt NOTCH2 protein function with a negative predictive value of 95%. In summary, the available evidence is currently insufficient to determine the role of this variant in disease. Therefore, it has been classified as a Variant of Uncertain Significance.

NM_024408.4(NOTCH2):c.2098G>A (p.Gly700Ser)

Gene: NOTCH2 (notch receptor 2; minus strand). Cytogenetic location: 1p12.
Variant type: single nucleotide variant.
Coding change: c.2098G>A on transcript NM_024408.4 (MANE Select); coding-DNA position 2098, G replaced by A.
Protein change: p.Gly700Ser; replaces glycine 700 with serine.
Molecular consequence: missense variant.
Genome position (GRCh38, 1-based): chr1:119,955,161, C>T on the plus strand (G>A on the coding strand, the complement: NOTCH2 is on the minus strand). VCF-style: chr1-119955161-C-T. GRCh37 (hg19) VCF-style: chr1-120497784-C-T.
Other names: c.2098G>A, p.Gly700Ser (NM_001200001.2); short protein forms G700S.
Identifiers: ClinVar variation 2631709 (VCV002631709.4), dbSNP rs143227439, ClinGen allele CA1040380.
Genomic context (GRCh38, chr1:119,955,161, plus strand): 5'-GTGAGTAGCAGCTGGGGTGATGGGGTCCCTCGGGGCATATACAGCGGAAACCATTCACAC[C>T]GTTGATACATGTTGCACCCTTGCGACAGGGATTGGAGGCACACTCATCAATGTCAATGTT-3'
Protein context (NP_077719.2, residues 690-710): PCRKGATCIN[Gly700Ser]VNGFRCICPE